The following is an entry in ClinVar:

NM_032229.3(SLITRK6):c.2405C>T (p.Thr802Ile)

Gene: SLITRK6 (SLIT and NTRK like family member 6; minus strand). Cytogenetic location: 13q31.1.
Variant type: single nucleotide variant.
Coding change: c.2405C>T on transcript NM_032229.3 (MANE Select); coding-DNA position 2405, C replaced by T.
Protein change: p.Thr802Ile; replaces threonine 802 with isoleucine.
Molecular consequence: missense variant.
Genome position (GRCh38, 1-based): chr13:85,794,104, G>A on the plus strand (C>T on the coding strand, the complement: SLITRK6 is on the minus strand). VCF-style: chr13-85794104-G-A. GRCh37 (hg19) VCF-style: chr13-86368239-G-A.
Other names: short protein forms T802I.
Identifiers: ClinVar variation 1707728 (VCV001707728.3), dbSNP rs1365338361, ClinGen allele CA388372043.

ClinVar aggregate classification (germline): Uncertain significance. Review status: criteria provided, multiple submitters, no conflicts (2 of 4 stars). 2 submissions from 2 submitters: Uncertain significance (2). Last evaluated 2025-08-05.

Conditions:
Inborn genetic diseases. Identifiers: MedGen C0950123, MeSH D030342.

Allele frequency attached by ClinVar (database versions not stated): gnomAD exomes below 0.00001.

Submissions (2):

Ambry Genetics
Classification: Uncertain significance for Inborn genetic diseases. Last evaluated: 2025-08-05. Review status: criteria provided, single submitter. Criteria: Ambry Variant Classification Scheme 2023. Collection method: clinical testing. Allele origin: germline.

GeneDx
Classification: Uncertain significance. Last evaluated: 2022-03-28. Review status: criteria provided, single submitter. Criteria: GeneDx Variant Classification Process June 2021. Collection method: clinical testing. Allele origin: germline. Affected: yes.
Comment: Not observed at significant frequency in large population cohorts (gnomAD); In silico analysis supports that this missense variant has a deleterious effect on protein structure/function; Has not been previously published as pathogenic or benign to our knowledge